The following is an entry in ClinVar:

NM_000465.4(BARD1):c.95_115del (p.Gly32_Arg38del)

Gene: BARD1 (BRCA1 associated RING domain 1; minus strand). Cytogenetic location: 2q35.
Variant type: Deletion.
Coding change: c.95_115del on transcript NM_000465.4 (MANE Select); coding-DNA positions 95 to 115, 21 bases deleted (GTGCCTGGGCCCACAGTCGCG).
Protein change: p.Gly32_Arg38del.
Molecular consequence: inframe deletion. On other transcripts: non-coding transcript variant (3).
Genome position (GRCh38, 1-based): chr2:214,809,455-214,809,475, CGCGACTGTGGGCCCAGGCAC deleted on the plus strand (GTGCCTGGGCCCACAGTCGCG on the coding strand, the reverse complement: BARD1 is on the minus strand); deleting any 21 consecutive bases within chr2:214,809,455-214,809,481 gives the same sequence; the c. name uses the placement nearest the transcript's 3' end. VCF-style (leftmost placement, unchanged base first): chr2-214809454-GCGCGACTGTGGGCCCAGGCAC-G. GRCh37 (hg19) VCF-style: chr2-215674178-GCGCGACTGTGGGCCCAGGCAC-G.
Other names: c.95_115del, p.Gly32_Arg38del (NM_001282543.2, NM_001282545.2, NM_001282548.2 and 1 more transcripts); c.95_115delGTGCCTGGGCCCACAGTCGCG (NM_000465.3); c.95_115del21 (NM_000465.4).
Identifiers: ClinVar variation 481385 (VCV000481385.18), dbSNP rs1553628381, ClinGen allele CA658657217.
Genomic context (GRCh38, chr2:214,809,454, plus strand): 5'-AAGAAGCTCCGTCTTTACCAACGCGAGCAGCGCAGCAGCTTCTCCAGGCGGTCGAGCGCG[GCGCGACTGTGGGCCCAGGCAC>G]CGCGACCATCCGGTTCCATGGCGGGCGCGGAACGAGGCTCGTTCCCGGAGCGGATCCTCG-3'

ClinVar aggregate classification (germline): Uncertain significance. Review status: criteria provided, multiple submitters, no conflicts (2 of 4 stars). 4 submissions from 4 submitters: Uncertain significance (4). Last evaluated 2025-07-21.

Conditions:
Familial cancer of breast. Also called: BREAST CANCER, FAMILIAL; Hereditary breast cancer; hereditary breast carcinoma. Identifiers: Orphanet 227535, MedGen C0346153, MONDO:0016419, OMIM 114480. Disease mechanism: loss of function.
Hereditary cancer-predisposing syndrome. Also called: Hereditary Cancer Syndrome; Neoplastic Syndromes, Hereditary; Tumor predisposition; Hereditary neoplastic syndrome. Identifiers: Orphanet 140162, MedGen C0027672, MeSH D009386, MONDO:0015356.

Submissions (4):

Ambry Genetics
Classification: Uncertain significance for Hereditary cancer-predisposing syndrome. Last evaluated: 2025-07-21. Review status: criteria provided, single submitter. Criteria: Ambry Variant Classification Scheme 2023. Collection method: clinical testing. Allele origin: germline.
Comment: The c.95_115del21 variant (also known as p.G32_R38del) is located in coding exon 1 of the BARD1 gene. This variant results from an in-frame GTGCCTGGGCCCACAGTCGCG deletion at nucleotide positions 95 to 115. This results in the in-frame deletion of seven residues at codon 32 to 38. This amino acid region is well conserved in available vertebrate species. In addition, this alteration is predicted to be deleterious by in silico analysis (Choi Y et al. PLoS ONE. 2012; 7(10):e46688). Based on the available evidence, the clinical significance of this variant remains unclear.

Women's Health and Genetics/Laboratory Corporation of America, LabCorp
Classification: Uncertain significance. Last evaluated: 2024-05-21. Review status: criteria provided, single submitter. Criteria: LabCorp Variant Classification Summary - May 2015. Collection method: clinical testing. Allele origin: germline.
Comment: Variant summary: BARD1 c.95_115del21 (p.Gly32_Arg38del) results in an in-frame deletion that is predicted to remove seven amino acids from the encoded protein. The variant was absent in 239666 control chromosomes. The available data on variant occurrences in the general population are insufficient to allow any conclusion about variant significance. To our knowledge, no occurrence of c.95_115del21 in individuals affected with Breast Cancer and no experimental evidence demonstrating its impact on protein function have been reported. ClinVar contains an entry for this variant (Variation ID: 481385). Based on the evidence outlined above, the variant was classified as uncertain significance.

Labcorp Genetics (formerly Invitae), Labcorp
Classification: Uncertain significance for Familial cancer of breast. Last evaluated: 2023-09-30. Review status: criteria provided, single submitter. Criteria: Invitae Variant Classification Sherloc (09022015). Collection method: clinical testing. Allele origin: germline.
Comment: This variant, c.95_115del, results in the deletion of 7 amino acid(s) of the BARD1 protein (p.Gly32_Arg38del), but otherwise preserves the integrity of the reading frame. This variant is not present in population databases (gnomAD no frequency). This variant has not been reported in the literature in individuals affected with BARD1-related conditions. ClinVar contains an entry for this variant (Variation ID: 481385). Experimental studies and prediction algorithms are not available or were not evaluated, and the functional significance of this variant is currently unknown. In summary, the available evidence is currently insufficient to determine the role of this variant in disease. Therefore, it has been classified as a Variant of Uncertain Significance.

Color Diagnostics, LLC DBA Color Health
Classification: Uncertain significance for Hereditary cancer-predisposing syndrome. Last evaluated: 2023-01-30. Review status: criteria provided, single submitter. Criteria: ACMG Guidelines, 2015. Collection method: clinical testing. Allele origin: germline.
Comment: This variant is an in-frame seven amino acid deletion in exon 1 of the BARD1 protein. To our knowledge, functional studies have not been reported for this variant. This variant has not been reported in individuals affected with hereditary cancer in the literature. This variant has not been identified in the general population by the Genome Aggregation Database (gnomAD). The available evidence is insufficient to determine the role of this variant in disease conclusively. Therefore, this variant is classified as a Variant of Uncertain Significance.